The following is an entry in ClinVar:

NM_001130144.3(LTBP3):c.1909G>C (p.Gly637Arg)

Genes: LTBP3 (latent transforming growth factor beta binding protein 3; minus strand), LOC130006032 (ATAC-STARR-seq lymphoblastoid silent region 3535; plus strand). Cytogenetic location: 11q13.1.
Variant type: single nucleotide variant.
Coding change: c.1909G>C on transcript NM_001130144.3 (MANE Select); coding-DNA position 1909, G replaced by C.
Protein change: p.Gly637Arg; replaces glycine 637 with arginine.
Molecular consequence: missense variant.
Genome position (GRCh38, 1-based): chr11:65,547,759, C>G on the plus strand (G>C on the coding strand, the complement: LTBP3 is on the minus strand). VCF-style: chr11-65547759-C-G. GRCh37 (hg19) VCF-style: chr11-65315230-C-G.
Other names: c.1558G>C, p.Gly520Arg (NM_001164266.1); c.1909G>C, p.Gly637Arg (NM_021070.4); short protein forms G637R, G520R.
Identifiers: ClinVar variation 4767868 (VCV004767868.1).

ClinVar aggregate classification (germline): Uncertain significance (1 of 4 stars; one submission).

Conditions:
Brachyolmia-amelogenesis imperfecta syndrome. Also called: PLATYSPONDYLY WITH AMELOGENESIS IMPERFECTA; Tooth agenesis, selective, 6; Dental anomalies and short stature. Identifiers: Orphanet 2899, MedGen C1832594, MONDO:0011018, OMIM 601216. Disease mechanism: loss of function.

Submission:

Labcorp Genetics (formerly Invitae), Labcorp
Classification: Uncertain significance for Brachyolmia-amelogenesis imperfecta syndrome. Last evaluated: 2026-01-18. Review status: criteria provided, single submitter. Criteria: Invitae Variant Classification Sherloc (09022015). Collection method: clinical testing. Allele origin: germline.
Comment: This sequence change replaces glycine, which is neutral and non-polar, with arginine, which is basic and polar, at codon 637 of the LTBP3 protein (p.Gly637Arg). This variant is not present in population databases (gnomAD no frequency). This variant has not been reported in the literature in individuals affected with LTBP3-related conditions. An algorithm developed to predict the effect of missense changes on protein structure and function (PolyPhen-2) suggests that this variant is likely to be disruptive. In summary, the available evidence is currently insufficient to determine the role of this variant in disease. Therefore, it has been classified as a Variant of Uncertain Significance.